The following is an entry in ClinVar:

ClinVar aggregate classification (germline): Uncertain significance. Review status: criteria provided, multiple submitters, no conflicts (2 of 4 stars). 2 submissions from 2 submitters: Uncertain significance (2). Last evaluated 2026-08-24.

Conditions:
PCNT-related disorder. Also called: PCNT-related condition.

Allele frequency attached by ClinVar (database versions not stated): gnomAD exomes 0.00001; ExAC 0.00002; gnomAD 0.00002; TOPMed 0.00002.
gnomAD v4.1: 17 of 1,611,946 alleles (0.0011%); highest among the groups gnomAD compares: East Asian, 0.011%; no homozygotes.

Submissions (2):

PreventionGenetics, part of Exact Sciences
Classification: Uncertain significance for PCNT-related condition. Last evaluated: 2026-08-24. Review status: criteria provided, single submitter. Criteria: ACMG Guidelines, 2015. Collection method: clinical testing. Allele origin: germline.
Comment: The PCNT c.3557G>A variant is predicted to result in the amino acid substitution p.Arg1186His. To our knowledge, this variant has not been reported in the literature. This variant is reported in 0.015% of alleles in individuals of East Asian descent in gnomAD. At this time, the clinical significance of this variant is uncertain due to the absence of conclusive functional and genetic evidence.

Labcorp Genetics (formerly Invitae), Labcorp
Classification: Uncertain significance. Last evaluated: 2021-08-20. Review status: criteria provided, single submitter. Criteria: Invitae Variant Classification Sherloc (09022015). Collection method: clinical testing. Allele origin: germline.
Comment: This sequence change replaces arginine with histidine at codon 1186 of the PCNT protein (p.Arg1186His). The arginine residue is moderately conserved and there is a small physicochemical difference between arginine and histidine. This variant is present in population databases (rs751935483, ExAC 0.01%). This variant has not been reported in the literature in individuals affected with PCNT-related conditions. Algorithms developed to predict the effect of missense changes on protein structure and function are either unavailable or do not agree on the potential impact of this missense change (SIFT: "Deleterious"; PolyPhen-2: "Possibly Damaging"; Align-GVGD: "Class C0"). In summary, the available evidence is currently insufficient to determine the role of this variant in disease. Therefore, it has been classified as a Variant of Uncertain Significance.

NM_006031.6(PCNT):c.3557G>A (p.Arg1186His)

Gene: PCNT (pericentrin; plus strand). Cytogenetic location: 21q22.3.
Variant type: single nucleotide variant.
Coding change: c.3557G>A on transcript NM_006031.6 (MANE Select); coding-DNA position 3557, G replaced by A.
Protein change: p.Arg1186His; replaces arginine 1186 with histidine.
Molecular consequence: missense variant.
Genome position (GRCh38, 1-based): chr21:46,388,834, G>A. VCF-style: chr21-46388834-G-A. GRCh37 (hg19) VCF-style: chr21-47808749-G-A.
Other names: c.3557G>A (NM_006031.5); c.3203G>A, p.Arg1068His (NM_001315529.2); short protein forms R1186H, R1068H.
Identifiers: ClinVar variation 1488466 (VCV001488466.6), dbSNP rs751935483, ClinGen allele CA10079351.